The following is an entry in ClinVar:

ClinVar aggregate classification (germline): Pathogenic (1 of 4 stars; one submission).

Submission:

GeneDx
Classification: Pathogenic. Last evaluated: 2016-07-14. Review status: criteria provided, single submitter. Criteria: GeneDx Variant Classification (06012015). Collection method: clinical testing. Allele origin: germline. Affected: yes.
Comment: The c.309_310delCT pathogenic variant in the BCAP31 gene has not been reported previously as a pathogenic variant nor as a benign variant, to our knowledge. This variant causes a frameshift starting with codon Tyrosine 104, changes this amino acid to a Histidine residue, and creates a premature Stop codon at position 13 of the new reading frame, denoted p.Tyr104HisfsX13. This variant is predicted to cause loss of normal protein function either through protein truncation or nonsense-mediated mRNA decay. The c.309_310delCT variant was not observed in approximately 6500 individuals of European and African American ancestry in the NHLBI Exome Sequencing Project, indicating it is not a common benign variant in these populations. We interpret c.309_310delCT as a pathogenic variant.

NM_001256447.2(BCAP31):c.309_310del (p.Tyr104fs)

Gene: BCAP31 (B cell receptor associated protein 31; minus strand). Cytogenetic location: Xq28.
Variant type: Microsatellite.
Coding change: c.309_310del on transcript NM_001256447.2 (MANE Select); coding-DNA positions 309 to 310, 2 bases deleted (CT; older notation c.309_310delCT).
Protein change: p.Tyr104fs; shifts the reading frame from tyrosine 104.
Molecular consequence: frameshift variant.
Genome position (GRCh38, 1-based): chrX:153,715,573-153,715,574, AG deleted on the plus strand (CT on the coding strand, the reverse complement: BCAP31 is on the minus strand); deleting any 2 consecutive bases within chrX:153,715,573-153,715,577 gives the same sequence; the c. name uses the placement nearest the transcript's 3' end. VCF-style (leftmost placement, unchanged base first): chrX-153715572-TAG-T. GRCh37 (hg19) VCF-style: chrX-152981027-TAG-T.
Other names: c.309_310delCT (NM_001139441.1); c.309_310del, p.Tyr104fs (NM_001139441.1, NM_005745.8); c.510_511del, p.Tyr171fs (NM_001139457.2); short protein forms Y104fs, Y171fs.
Identifiers: ClinVar variation 280742 (VCV000280742.2), dbSNP rs886041892, ClinGen allele CA10603531.